The following is an entry in ClinVar:

ClinVar aggregate classification (germline): Uncertain significance (1 of 4 stars; one submission).

Conditions:
Immunodeficiency. Identifiers: MedGen C0021051, MONDO:0021094, HP:0002721.

Submission:

Labcorp Genetics (formerly Invitae), Labcorp
Classification: Uncertain significance for Immunodeficiency. Last evaluated: 2025-10-23. Review status: criteria provided, single submitter. Criteria: Invitae Variant Classification Sherloc (09022015). Collection method: clinical testing. Allele origin: germline.
Comment: This sequence change replaces methionine, which is neutral and non-polar, with valine, which is neutral and non-polar, at codon 1370 of the NFAT5 protein (p.Met1370Val). This variant is not present in population databases (gnomAD no frequency). This variant has not been reported in the literature in individuals affected with NFAT5-related conditions. An algorithm developed to predict the effect of missense changes on protein structure and function (PolyPhen-2) suggests that this variant is likely to be tolerated. In summary, the available evidence is currently insufficient to determine the role of this variant in disease. Therefore, it has been classified as a Variant of Uncertain Significance.

NM_138713.4(NFAT5):c.4390A>G (p.Met1464Val)

Gene: NFAT5 (nuclear factor of activated T cells 5; plus strand). Cytogenetic location: 16q22.1.
Variant type: single nucleotide variant.
Coding change: c.4390A>G on transcript NM_138713.4 (MANE Select); coding-DNA position 4390, A replaced by G.
Protein change: p.Met1464Val; replaces methionine 1464 with valine.
Molecular consequence: missense variant.
Genome position (GRCh38, 1-based): chr16:69,694,215, A>G. VCF-style: chr16-69694215-A-G. GRCh37 (hg19) VCF-style: chr16-69728118-A-G.
Other names: c.4387A>G, p.Met1463Val (NM_001113178.3); c.3715A>G, p.Met1239Val (NM_001367709.1); c.4336A>G, p.Met1446Val (NM_006599.4); c.4108A>G, p.Met1370Val (NM_138714.4, NM_173214.3, NM_173215.3); short protein forms M1370V, M1446V, M1463V, M1464V, M1239V.
Identifiers: ClinVar variation 4711898 (VCV004711898.1).